The following is an entry in ClinVar:

ClinVar aggregate classification (germline): Uncertain significance (1 of 4 stars; one submission).

Conditions:
Diffuse cerebral and cerebellar atrophy - intractable seizures - progressive microcephaly syndrome. Also called: Microcephaly, progressive, with seizures and cerebral and cerebellar atrophy. Identifiers: Orphanet 404437, MedGen C4014239, MONDO:0014335, OMIM 615760.

Allele frequency attached by ClinVar (database versions not stated): gnomAD exomes 0.00001; TOPMed below 0.00001.

Submission:

Labcorp Genetics (formerly Invitae), Labcorp
Classification: Uncertain significance for Diffuse cerebral and cerebellar atrophy - intractable seizures - progressive microcephaly syndrome. Last evaluated: 2025-09-02. Review status: criteria provided, single submitter. Criteria: Invitae Variant Classification Sherloc (09022015). Collection method: clinical testing. Allele origin: germline.
Comment: This sequence change replaces aspartic acid, which is acidic and polar, with alanine, which is neutral and non-polar, at codon 771 of the QARS protein (p.Asp771Ala). This variant is not present in population databases (gnomAD no frequency). This variant has not been reported in the literature in individuals affected with QARS-related conditions. ClinVar contains an entry for this variant (Variation ID: 2105334). Invitae Evidence Modeling of protein sequence and biophysical properties (such as structural, functional, and spatial information, amino acid conservation, physicochemical variation, residue mobility, and thermodynamic stability) has been performed for this missense variant. However, the output from this modeling did not meet the statistical confidence thresholds required to predict the impact of this variant on QARS protein function. In summary, the available evidence is currently insufficient to determine the role of this variant in disease. Therefore, it has been classified as a Variant of Uncertain Significance.

NM_005051.3(QARS1):c.2312A>C (p.Asp771Ala)

Gene: QARS1 (glutaminyl-tRNA synthetase 1; minus strand). Cytogenetic location: 3p21.31.
Variant type: single nucleotide variant.
Coding change: c.2312A>C on transcript NM_005051.3 (MANE Select); coding-DNA position 2312, A replaced by C.
Protein change: p.Asp771Ala; replaces aspartic acid 771 with alanine.
Molecular consequence: missense variant. On other transcripts: non-coding transcript variant (1).
Genome position (GRCh38, 1-based): chr3:49,096,045, T>G on the plus strand (A>C on the coding strand, the complement: QARS1 is on the minus strand). VCF-style: chr3-49096045-T-G. GRCh37 (hg19) VCF-style: chr3-49133478-T-G.
Other names: c.2279A>C, p.Asp760Ala (NM_001272073.2); short protein forms D771A, D760A.
Identifiers: ClinVar variation 2105334 (VCV002105334.4), dbSNP rs1388810452, ClinGen allele CA352694963.